The following is an entry in ClinVar:

NM_000384.3(APOB):c.2313G>A (p.Pro771=)

Gene: APOB (apolipoprotein B; minus strand). Cytogenetic location: 2p24.1.
Variant type: single nucleotide variant.
Coding change: c.2313G>A on transcript NM_000384.3 (MANE Select); coding-DNA position 2313, G replaced by A.
Protein change: p.Pro771=; no amino-acid change (proline 771 retained).
Molecular consequence: synonymous variant.
Genome position (GRCh38, 1-based): chr2:21,025,056, C>T on the plus strand (G>A on the coding strand, the complement: APOB is on the minus strand). VCF-style: chr2-21025056-C-T. GRCh37 (hg19) VCF-style: chr2-21247928-C-T.
Identifiers: ClinVar variation 630344 (VCV000630344.34), dbSNP rs552986140, ClinGen allele CA055843.

ClinVar aggregate classification (germline): Likely benign. Review status: criteria provided, multiple submitters, no conflicts (2 of 4 stars). 6 submissions from 6 submitters: Likely benign (6). Last evaluated 2026-01-13.

Conditions:
Hypercholesterolemia, autosomal dominant, type B (FHCL2). Also called: Familial Hypercholesterolemia Type B; Hyperlipoproteinemia Type IIb; Familial hypercholesterolemia 2; APOB-Related Familial Hypercholesterolemia, Autosomal Dominant; APOLIPOPROTEIN B-100, FAMILIAL DEFECTIVE; APOLIPOPROTEIN B-100, FAMILIAL LIGAND-DEFECTIVE. Identifiers: MedGen C1704417, MONDO:0007751, OMIM 144010.
Familial hypobetalipoproteinemia 1. Also called: APOB-Related Familial Hypobetalipoproteinemia; Hypobetalipoproteinemia, normotriglyceridemic; Acanthocytosis with hypobetalipoproteinemia. Identifiers: MedGen C4551990, MONDO:0014252, OMIM 615558.
Cardiovascular phenotype. Identifiers: MedGen CN230736.
Familial hypercholesterolemia. Also called: Familial hypercholesterolaemia; Familial hypercholesterolemias. Identifiers: MedGen C0020445, MONDO:0005439.

Allele frequency attached by ClinVar (database versions not stated): gnomAD exomes 0.00007 and 0.00008; ExAC 0.00008; TOPMed 0.00008; gnomAD 0.00009; 1000 Genomes Project 30x 0.00016; 1000 Genomes Project 0.00020.
gnomAD v4.1: 135 of 1,614,210 alleles (0.0084%); highest among the groups gnomAD compares: South Asian, 0.014%; no homozygotes.

Submissions (6):

Labcorp Genetics (formerly Invitae), Labcorp
Classification: Likely benign for Familial hypobetalipoproteinemia 1; Hypercholesterolemia, autosomal dominant, type B. Last evaluated: 2026-01-13. Review status: criteria provided, single submitter. Criteria: Invitae Variant Classification Sherloc (09022015). Collection method: clinical testing. Allele origin: germline.

CeGaT Center for Human Genetics Tuebingen
Classification: Likely benign. Last evaluated: 2024-10-01. Review status: criteria provided, single submitter. Criteria: CeGaT Center For Human Genetics Tuebingen Variant Classification Criteria Version 2. Collection method: clinical testing. Allele origin: germline. Affected: yes. Observed: 1 variant allele.
Comment: APOB: BP4, BP7

GENinCode PLC
Classification: Likely benign for Familial hypercholesterolemia. Last evaluated: 2023-10-02. Review status: criteria provided, single submitter. Criteria: ACMG Guidelines, 2015. Collection method: clinical testing. Allele origin: germline.
Comment: This is a synonymous (silent) variant that is not predicted by SpliceAI to impact splicing. In addition, it occurs at a nucleotide that is not conserved. Therefore this variant has been classified as Likely Benign (BP4, BP7).

Quest Diagnostics Nichols Institute San Juan Capistrano
Classification: Likely benign. Last evaluated: 2023-06-07. Review status: criteria provided, single submitter. Criteria: Quest Diagnostics criteria. Collection method: clinical testing. Allele origin: unknown.

Ambry Genetics
Classification: Likely benign for Cardiovascular phenotype. Last evaluated: 2022-02-21. Review status: criteria provided, single submitter. Criteria: Ambry Variant Classification Scheme 2023. Collection method: clinical testing. Allele origin: germline.

GeneDx
Classification: Likely benign. Last evaluated: 2020-12-08. Review status: criteria provided, single submitter. Criteria: GeneDx Variant Classification Process June 2021. Collection method: clinical testing. Allele origin: germline. Affected: yes.